The following is an entry in ClinVar:

ClinVar aggregate classification (germline): Uncertain significance. Review status: criteria provided, multiple submitters, no conflicts (2 of 4 stars). 2 submissions from 2 submitters: Uncertain significance (2). Last evaluated 2026-08-02.

Conditions:
Hereditary cancer-predisposing syndrome. Also called: Neoplastic Syndromes, Hereditary; Hereditary Cancer Syndrome; Tumor predisposition; Hereditary neoplastic syndrome. Identifiers: Orphanet 140162, MedGen C0027672, MeSH D009386, MONDO:0015356.
Mitochondrial complex II deficiency, nuclear type 1. Also called: SUCCINATE CoQ REDUCTASE DEFICIENCY. Identifiers: Orphanet 3208, MedGen C5700310, MONDO:0100294, OMIM 252011.
Pheochromocytoma/paraganglioma syndrome 5. Also called: Paragangliomas 5; SDHA-Related Hereditary Paraganglioma-Pheochromocytoma Syndrome. Identifiers: Orphanet 29072, MedGen C3279992, MONDO:0013602, OMIM 614165.

Allele frequency attached by ClinVar (database versions not stated): ExAC 0.00002; gnomAD exomes 0.00001 and below 0.00001.
gnomAD v4.1: 6 of 1,613,972 alleles (0.00037%); highest among the groups gnomAD compares: South Asian, 0.0066%; no homozygotes.

Submissions (2):

Ambry Genetics
Classification: Uncertain significance for Hereditary cancer-predisposing syndrome. Last evaluated: 2026-08-02. Review status: criteria provided, single submitter. Criteria: Ambry Variant Classification Scheme 2023. Collection method: clinical testing. Allele origin: germline.
Comment: The p.P359S variant (also known as c.1075C>T), located in coding exon 9 of the SDHA gene, results from a C to T substitution at nucleotide position 1075. The proline at codon 359 is replaced by serine, an amino acid with similar properties. This amino acid position is conserved. In addition, the in silico prediction for this alteration is inconclusive. Based on the available evidence, the clinical significance of this variant remains unclear.

Labcorp Genetics (formerly Invitae), Labcorp
Classification: Uncertain significance for Pheochromocytoma/paraganglioma syndrome 5; Mitochondrial complex II deficiency, nuclear type 1. Last evaluated: 2021-12-11. Review status: criteria provided, single submitter. Criteria: Invitae Variant Classification Sherloc (09022015). Collection method: clinical testing. Allele origin: germline.
Comment: This sequence change replaces proline, which is neutral and non-polar, with serine, which is neutral and polar, at codon 359 of the SDHA protein (p.Pro359Ser). In summary, the available evidence is currently insufficient to determine the role of this variant in disease. Therefore, it has been classified as a Variant of Uncertain Significance. Advanced modeling of protein sequence and biophysical properties (such as structural, functional, and spatial information, amino acid conservation, physicochemical variation, residue mobility, and thermodynamic stability) performed at Invitae indicates that this missense variant is not expected to disrupt SDHA protein function. ClinVar contains an entry for this variant (Variation ID: 963692). This variant has not been reported in the literature in individuals affected with SDHA-related conditions. This variant is present in population databases (rs758817818, gnomAD 0.006%).

NM_004168.4(SDHA):c.1075C>T (p.Pro359Ser)

Gene: SDHA (succinate dehydrogenase complex flavoprotein subunit A; plus strand). Cytogenetic location: 5p15.33.
Variant type: single nucleotide variant.
Coding change: c.1075C>T on transcript NM_004168.4 (MANE Select); coding-DNA position 1075, C replaced by T.
Protein change: p.Pro359Ser; replaces proline 359 with serine.
Molecular consequence: missense variant.
Genome position (GRCh38, 1-based): chr5:235,154, C>T. VCF-style: chr5-235154-C-T. GRCh37 (hg19) VCF-style: chr5-235269-C-T.
Other names: c.931C>T, p.Pro311Ser (NM_001294332.2); c.1075C>T, p.Pro359Ser (NM_001330758.2); c.1075C>T (NM_004168.2); short protein forms P311S, P359S.
Identifiers: ClinVar variation 963692 (VCV000963692.6), dbSNP rs758817818, ClinGen allele CA3173108.